The following is an entry in ClinVar:

ClinVar aggregate classification (germline): Benign. Review status: criteria provided, multiple submitters, no conflicts (2 of 4 stars). 2 submissions from 2 submitters: Benign (2). Last evaluated 2018-06-14.

Allele frequency attached by ClinVar (database versions not stated): 1000 Genomes Project 30x 0.04232; 1000 Genomes Project 0.04233; TOPMed 0.05872; gnomAD 0.06368 and 0.06434; gnomAD exomes 0.07518.
gnomAD v4.1: 64,701 of 883,772 alleles (7.3%); highest among the groups gnomAD compares: Middle Eastern, 11%; 2,742 homozygotes.

Submissions (2):

GeneDx
Classification: Benign. Last evaluated: 2018-06-14. Review status: criteria provided, single submitter. Criteria: GeneDx Variant Classification (06012015). Collection method: clinical testing. Allele origin: germline. Affected: yes.
Comment: This variant is considered likely benign or benign based on one or more of the following criteria: it is a conservative change, it occurs at a poorly conserved position in the protein, it is predicted to be benign by multiple in silico algorithms, and/or has population frequency not consistent with disease.

Breakthrough Genomics
Classification: Benign. Review status: criteria provided, single submitter. Criteria: ACMG Guidelines, 2015. Collection method: not provided. Allele origin: germline. Inheritance: Autosomal recessive inheritance. Affected: yes.

NM_016373.4(WWOX):c.517-115G>A

Gene: WWOX (WW domain containing oxidoreductase; plus strand). Cytogenetic location: 16q23.1.
Variant type: single nucleotide variant.
Coding change: c.517-115G>A on transcript NM_016373.4 (MANE Select); 115 bases into the intron before coding-DNA position 517, G replaced by A.
Molecular consequence: intron variant.
Genome position (GRCh38, 1-based): chr16:78,386,745, G>A. VCF-style: chr16-78386745-G-A. GRCh37 (hg19) VCF-style: chr16-78420642-G-A.
Other names: c.178-115G>A (NM_001291997.2).
Identifiers: ClinVar variation 672340 (VCV000672340.2), dbSNP rs35121047, ClinGen allele CA16529074.